The following is an entry in ClinVar:

ClinVar aggregate classification (germline): Uncertain significance (1 of 4 stars; one submission).

Conditions:
MHC class I deficiency. Identifiers: Orphanet 34592, MedGen C6024714, MONDO:0011476.

Allele frequency attached by ClinVar (database versions not stated): gnomAD 0.00001; ExAC 0.00003; gnomAD exomes 0.00003; 1000 Genomes Project 30x 0.00016; 1000 Genomes Project 0.00020.

Submission:

Labcorp Genetics (formerly Invitae), Labcorp
Classification: Uncertain significance for MHC class I deficiency 1. Last evaluated: 2022-03-29. Review status: criteria provided, single submitter. Criteria: Invitae Variant Classification Sherloc (09022015). Collection method: clinical testing. Allele origin: germline.
Comment: This sequence change replaces arginine, which is basic and polar, with cysteine, which is neutral and slightly polar, at codon 754 of the TAP1 protein (p.Arg754Cys). This variant is present in population databases (rs563899405, gnomAD 0.02%). This variant has not been reported in the literature in individuals affected with TAP1-related conditions. Algorithms developed to predict the effect of missense changes on protein structure and function are either unavailable or do not agree on the potential impact of this missense change (SIFT: "Deleterious"; PolyPhen-2: "Benign"; Align-GVGD: "Class C15"). In summary, the available evidence is currently insufficient to determine the role of this variant in disease. Therefore, it has been classified as a Variant of Uncertain Significance.

NM_000593.6(TAP1):c.2080C>T (p.Arg694Cys)

Genes: PSMB8-AS1 (PSMB8 antisense RNA 1; plus strand), TAP1 (transporter 1, ATP binding cassette subfamily B member; minus strand). Cytogenetic location: 6p21.32.
Variant type: single nucleotide variant.
Coding change: c.2080C>T on transcript NM_000593.6 (MANE Select); coding-DNA position 2080, C replaced by T.
Protein change: p.Arg694Cys; replaces arginine 694 with cysteine.
Molecular consequence: missense variant. On other transcripts: non-coding transcript variant (4).
Genome position (GRCh38, 1-based): chr6:32,845,746, G>A on the plus strand (C>T on the coding strand, the complement: TAP1 is on the minus strand). VCF-style: chr6-32845746-G-A. GRCh37 (hg19) VCF-style: chr6-32813523-G-A.
Other names: c.1477C>T, p.Arg493Cys (NM_001292022.2); short protein forms R493C, R694C.
Identifiers: ClinVar variation 1516556 (VCV001516556.5), dbSNP rs563899405, ClinGen allele CA3746580.